The following is an entry in ClinVar:

NM_004415.4(DSP):c.7529G>A (p.Gly2510Glu)

Gene: DSP (desmoplakin; plus strand). Cytogenetic location: 6p24.3.
Variant type: single nucleotide variant.
Coding change: c.7529G>A on transcript NM_004415.4 (MANE Select); coding-DNA position 7529, G replaced by A.
Protein change: p.Gly2510Glu; replaces glycine 2510 with glutamic acid.
Molecular consequence: missense variant.
Genome position (GRCh38, 1-based): chr6:7,584,791, G>A. VCF-style: chr6-7584791-G-A. GRCh37 (hg19) VCF-style: chr6-7585024-G-A.
Other names: c.5732G>A, p.Gly1911Glu (NM_001008844.3); c.6200G>A, p.Gly2067Glu (NM_001319034.2); short protein forms G2510E, G1911E, G2067E.
Identifiers: ClinVar variation 4015101 (VCV004015101.2).
Genomic context (GRCh38, chr6:7,584,791, plus strand): 5'-ATGAAACCTTCAAAGAACTGTGTGAGCAGGAATGTGAATGGGAAGAAATAACCATCACGG[G>A]ATCAGATGGCTCCACCAGGGTGGTCCTGGTAGATAGAAAGACAGGCAGTCAGTATGATAT-3'
Protein context (NP_004406.2, residues 2500-2520): ECEWEEITIT[Gly2510Glu]SDGSTRVVLV

ClinVar aggregate classification (germline): Uncertain significance. Review status: criteria provided, multiple submitters, no conflicts (2 of 4 stars). 2 submissions from 2 submitters: Uncertain significance (2). Last evaluated 2025-08-14.

Conditions:
Cardiovascular phenotype. Identifiers: MedGen CN230736.
Cardiomyopathy (CMYO). Also called: Cardiomyopathies. Identifiers: Orphanet 167848, MedGen C0878544, MONDO:0004994, HP:0001638. Inheritance: Various modes of inheritance.

gnomAD v4.1: 2 of 1,614,198 alleles (0.00012%); highest among the groups gnomAD compares: East Asian, 0.0045%; 1 homozygote.

Submissions (2):

Color Diagnostics, LLC DBA Color Health
Classification: Uncertain significance for Cardiomyopathy. Last evaluated: 2025-08-14. Review status: criteria provided, single submitter. Criteria: ACMG Guidelines, 2015. Collection method: clinical testing. Allele origin: germline.
Comment: This missense variant replaces glycine with glutamic acid at codon 2510 of the DSP protein. Computational prediction suggests that this variant may not impact protein structure and function. To our knowledge, functional studies have not been reported for this variant. This variant has not been reported in individuals affected with DSP-related disorders in the literature. This variant has not been identified in the general population by the Genome Aggregation Database (gnomAD). The available evidence is insufficient to determine the role of this variant in disease conclusively. Therefore, this variant is classified as a Variant of Uncertain Significance.

Ambry Genetics
Classification: Uncertain significance for Cardiovascular phenotype. Last evaluated: 2025-05-03. Review status: criteria provided, single submitter. Criteria: Ambry Variant Classification Scheme 2023. Collection method: clinical testing. Allele origin: germline.
Comment: The p.G2510E variant (also known as c.7529G>A), located in coding exon 24 of the DSP gene, results from a G to A substitution at nucleotide position 7529. The glycine at codon 2510 is replaced by glutamic acid, an amino acid with similar properties. This amino acid position is conserved. In addition, the in silico prediction for this alteration is inconclusive. Based on the available evidence, the clinical significance of this variant remains unclear.